The following is an entry in ClinVar:

NM_001005242.3(PKP2):c.1968del (p.Ala657fs)

Gene: PKP2 (plakophilin 2; minus strand). Cytogenetic location: 12p11.21.
Variant type: Deletion.
Coding change: c.1968del on transcript NM_001005242.3 (MANE Select); coding-DNA position 1968, one base deleted (A; older notation c.1968delA).
Protein change: p.Ala657fs; shifts the reading frame from alanine 657.
Molecular consequence: frameshift variant.
Genome position (GRCh38, 1-based): chr12:32,821,401, T deleted on the plus strand (A on the coding strand, the reverse complement: PKP2 is on the minus strand); the first of 2 consecutive T bases (chr12:32,821,401-32,821,402); deleting either gives the same sequence. VCF-style (leftmost placement, unchanged base first): chr12-32821400-CT-C. GRCh37 (hg19) VCF-style: chr12-32974334-CT-C.
Other names: c.2100del, p.Ala701fs (NM_004572.4); short protein forms A657fs, A701fs.
Identifiers: ClinVar variation 915786 (VCV000915786.5), dbSNP rs1956374971, ClinGen allele CA1139662562.

ClinVar aggregate classification (germline): Pathogenic/Likely pathogenic. Review status: criteria provided, multiple submitters, no conflicts (2 of 4 stars). 2 submissions from 2 submitters: Pathogenic (1); Likely pathogenic (1). Last evaluated 2023-04-19.

Conditions:
Arrhythmogenic right ventricular dysplasia 9 (ARVD9). Also called: ARRHYTHMOGENIC RIGHT VENTRICULAR DYSPLASIA, FAMILIAL, 9; Arrhythmogenic Right Ventricular Dysplasia/Cardiomyopathy 9. Identifiers: MedGen C1836906, MONDO:0012180, OMIM 609040.
Cardiomyopathy (CMYO). Also called: Cardiomyopathies. Identifiers: Orphanet 167848, MedGen C0878544, MONDO:0004994, HP:0001638. Inheritance: Various modes of inheritance.

Submissions (2):

Labcorp Genetics (formerly Invitae), Labcorp
Classification: Pathogenic for Arrhythmogenic right ventricular dysplasia 9. Last evaluated: 2023-04-19. Review status: criteria provided, single submitter. Criteria: Invitae Variant Classification Sherloc (09022015). Collection method: clinical testing. Allele origin: germline.
Comment: For these reasons, this variant has been classified as Pathogenic. ClinVar contains an entry for this variant (Variation ID: 915786). This variant has not been reported in the literature in individuals affected with PKP2-related conditions. This variant is not present in population databases (gnomAD no frequency). This sequence change creates a premature translational stop signal (p.Ala701Hisfs*3) in the PKP2 gene. It is expected to result in an absent or disrupted protein product. Loss-of-function variants in PKP2 are known to be pathogenic (PMID: 15489853, 23911551).

CHEO Genetics Diagnostic Laboratory, Children's Hospital of Eastern Ontario
Classification: Likely pathogenic for Cardiomyopathy. Last evaluated: 2019-03-14. Review status: criteria provided, single submitter. Criteria: ACMG Guidelines, 2015. Collection method: clinical testing. Allele origin: germline.

Literature cited by the submitters: PubMed 15489853 (cited by Labcorp Genetics (formerly Invitae), Labcorp); PubMed 23911551 (cited by Labcorp Genetics (formerly Invitae), Labcorp).